The following is an entry in ClinVar:

ClinVar aggregate classification (germline): Uncertain significance (1 of 4 stars; one submission).

Submission:

GeneDx
Classification: Uncertain significance. Last evaluated: 2024-03-11. Review status: criteria provided, single submitter. Criteria: GeneDx Variant Classification Process June 2021. Collection method: clinical testing. Allele origin: germline. Affected: yes.
Comment: Not observed at significant frequency in large population cohorts (gnomAD); In silico analysis supports that this missense variant does not alter protein structure/function; Has not been previously published as pathogenic or benign to our knowledge

NM_001110556.2(FLNA):c.2294C>T (p.Ala765Val)

Gene: FLNA (filamin A; minus strand). Cytogenetic location: Xq28.
Variant type: single nucleotide variant.
Coding change: c.2294C>T on transcript NM_001110556.2 (MANE Select); coding-DNA position 2294, C replaced by T.
Protein change: p.Ala765Val; replaces alanine 765 with valine.
Molecular consequence: missense variant.
Genome position (GRCh38, 1-based): chrX:154,362,771, G>A on the plus strand (C>T on the coding strand, the complement: FLNA is on the minus strand). VCF-style: chrX-154362771-G-A. GRCh37 (hg19) VCF-style: chrX-153591139-G-A.
Other names: c.2294C>T, p.Ala765Val (NM_001456.4); short protein forms A765V.
Identifiers: ClinVar variation 3370881 (VCV003370881.1).